The following is an entry in ClinVar:

ClinVar aggregate classification (germline): Pathogenic/Likely pathogenic. Review status: criteria provided, multiple submitters, no conflicts (2 of 4 stars). 3 submissions from 3 submitters: Pathogenic (2); Likely pathogenic (1). Last evaluated 2024-10-01.

Conditions:
Deficiency of steroid 11-beta-monooxygenase (CYP11B1). Also called: ADRENAL HYPERPLASIA IV; Congenital adrenal hyperplasia due to 11-beta-hydroxylase deficiency; ADRENAL HYPERPLASIA, CONGENITAL, DUE TO STEROID 11-BETA-HYDROXYLASE DEFICIENCY; 11-BETA-HYDROXYLASE DEFICIENCY; P450C11B1 DEFICIENCY; STEROID 11-BETA-HYDROXYLASE DEFICIENCY. Identifiers: Orphanet 90795, MedGen C0268292, MONDO:0008729, OMIM 202010. Disease mechanism: loss of function.

Allele frequency attached by ClinVar (database versions not stated): gnomAD exomes below 0.00001 and 0.00001.
gnomAD v4.1: 12 of 1,614,230 alleles (0.00074%); highest among the groups gnomAD compares: Middle Eastern, 0.017%; no homozygotes.

Submissions (3):

CeGaT Center for Human Genetics Tuebingen
Classification: Likely pathogenic. Last evaluated: 2024-10-01. Review status: criteria provided, single submitter. Criteria: CeGaT Center For Human Genetics Tuebingen Variant Classification Criteria Version 2. Collection method: clinical testing. Allele origin: germline. Affected: yes. Observed: 1 variant allele.
Comment: CYP11B1: PM1, PM2, PM3, PM5, PP3

Baylor Genetics
Classification: Pathogenic for Deficiency of steroid 11-beta-monooxygenase. Last evaluated: 2024-03-13. Review status: criteria provided, single submitter. Criteria: ACMG Guidelines, 2015. Collection method: clinical testing. Allele origin: unknown.

Labcorp Genetics (formerly Invitae), Labcorp
Classification: Pathogenic. Last evaluated: 2024-01-25. Review status: criteria provided, single submitter. Criteria: Invitae Variant Classification Sherloc (09022015). Collection method: clinical testing. Allele origin: germline.
Comment: This sequence change replaces arginine, which is basic and polar, with cysteine, which is neutral and slightly polar, at codon 448 of the CYP11B1 protein (p.Arg448Cys). This variant is present in population databases (no rsID available, gnomAD 0.0009%). This missense change has been observed in individual(s) with adrenal hyperplasia (PMID: 16030166, 28228528). In at least one individual the data is consistent with being in trans (on the opposite chromosome) from a pathogenic variant. ClinVar contains an entry for this variant (Variation ID: 1459491). Advanced modeling of protein sequence and biophysical properties (such as structural, functional, and spatial information, amino acid conservation, physicochemical variation, residue mobility, and thermodynamic stability) performed at Invitae indicates that this missense variant is expected to disrupt CYP11B1 protein function with a positive predictive value of 95%. This variant disrupts the p.Arg448 amino acid residue in CYP11B1. Other variant(s) that disrupt this residue have been determined to be pathogenic (PMID: 2022736, 16030166, 20024693, 27376433). This suggests that this residue is clinically significant, and that variants that disrupt this residue are likely to be disease-causing. For these reasons, this variant has been classified as Pathogenic.

Literature cited by the submitters: PubMed 16030166 (cited by Labcorp Genetics (formerly Invitae), Labcorp); PubMed 28228528 (cited by Labcorp Genetics (formerly Invitae), Labcorp); PubMed 2022736 (cited by Labcorp Genetics (formerly Invitae), Labcorp); PubMed 20024693 (cited by Labcorp Genetics (formerly Invitae), Labcorp); PubMed 27376433 (cited by Labcorp Genetics (formerly Invitae), Labcorp).

NM_000497.4(CYP11B1):c.1342C>T (p.Arg448Cys)

Genes: CYP11B1 (cytochrome P450 family 11 subfamily B member 1; minus strand), LOC106799833 (CYP11B1 recombination region; plus strand). Cytogenetic location: 8q24.3.
Variant type: single nucleotide variant.
Coding change: c.1342C>T on transcript NM_000497.4 (MANE Select); coding-DNA position 1342, C replaced by T.
Protein change: p.Arg448Cys; replaces arginine 448 with cysteine.
Molecular consequence: missense variant. On other transcripts: intron variant (1).
Genome position (GRCh38, 1-based): chr8:142,875,013, G>A on the plus strand (C>T on the coding strand, the complement: CYP11B1 is on the minus strand). VCF-style: chr8-142875013-G-A. GRCh37 (hg19) VCF-style: chr8-143956429-G-A.
Other names: c.1200+221C>T (NM_001026213.1); short protein forms R448C.
Identifiers: ClinVar variation 1459491 (VCV001459491.22), dbSNP rs1221010438, ClinGen allele CA372391457.